The following is an entry in ClinVar:

ClinVar aggregate classification (germline): Conflicting classifications of pathogenicity. Review status: criteria provided, conflicting classifications (1 of 4 stars). 3 submissions from 3 submitters: Likely pathogenic (2); Uncertain significance (1). Last evaluated 2026-08-31.

Conditions:
Combined immunodeficiency with skin granulomas. Identifiers: Orphanet 157949, MedGen C2673536, MONDO:0009306, OMIM 233650.
RAG2-related disorder. Also called: RAG2-related condition.

Submissions (3):

PreventionGenetics, part of Exact Sciences
Classification: Likely pathogenic for RAG2-related condition. Last evaluated: 2026-08-31. Review status: criteria provided, single submitter. Criteria: ACMG Guidelines, 2015. Collection method: clinical testing. Allele origin: germline.
Comment: The RAG2 c.1295C>T variant is predicted to result in the amino acid substitution p.Pro432Leu. This variant has been reported, along with another variant in RAG2, in at least two individuals with severe combined immunodeficiency (P15, Bai et al. 2016. PubMed ID: 26476733; Table S2, Hu et al. 2017. PubMed ID: 29095814). This variant has not been reported in a large population database (gnomAD), indicating this variant is rare. This variant is interpreted as likely pathogenic.

Baylor Genetics
Classification: Likely pathogenic for Combined immunodeficiency with skin granulomas. Last evaluated: 2024-03-26. Review status: criteria provided, single submitter. Criteria: ACMG Guidelines, 2015. Collection method: clinical testing. Allele origin: unknown.

Women's Health and Genetics/Laboratory Corporation of America, LabCorp
Classification: Uncertain significance. Last evaluated: 2021-10-11. Review status: criteria provided, single submitter. Criteria: LabCorp Variant Classification Summary - May 2015. Collection method: clinical testing. Allele origin: germline.
Comment: Variant summary: RAG2 c.1295C>T (p.Pro432Leu) results in a non-conservative amino acid change located in the Recombination activating protein 2, PHD domain of the encoded protein sequence. Five of five in-silico tools predict a damaging effect of the variant on protein function. The variant was absent in 251454 control chromosomes. c.1295C>T has been reported in the literature in two individuals affected with Severe Combined Immunodeficiency Syndrome in the compound heterozygous state (Bai_2016, Hu_2017). These data indicate that the variant may be associated with disease. To our knowledge, no experimental evidence demonstrating an impact on protein function has been reported. No clinical diagnostic laboratories have submitted clinical-significance assessments for this variant to ClinVar after 2014. Based on the evidence outlined above, the variant was classified as VUS-possibly pathogenic.

Literature cited by the submitters: PubMed 26476733 (cited by Women's Health and Genetics/Laboratory Corporation of America, LabCorp); PubMed 29095814 (cited by Women's Health and Genetics/Laboratory Corporation of America, LabCorp).

NM_000536.4(RAG2):c.1295C>T (p.Pro432Leu)

Gene: RAG2 (recombination activating 2; minus strand). Cytogenetic location: 11p12.
Variant type: single nucleotide variant.
Coding change: c.1295C>T on transcript NM_000536.4 (MANE Select); coding-DNA position 1295, C replaced by T.
Protein change: p.Pro432Leu; replaces proline 432 with leucine.
Molecular consequence: missense variant.
Genome position (GRCh38, 1-based): chr11:36,592,874, G>A on the plus strand (C>T on the coding strand, the complement: RAG2 is on the minus strand). VCF-style: chr11-36592874-G-A. GRCh37 (hg19) VCF-style: chr11-36614424-G-A.
Other names: c.1295C>T, p.Pro432Leu (NM_001243785.2, NM_001243786.2); short protein forms P432L.
Identifiers: ClinVar variation 1321365 (VCV001321365.4), dbSNP rs753677011, ClinGen allele CA380140676.
Genomic context (GRCh38, chr11:36,592,874, plus strand): 5'-TGCCCATCCCCATGAGAGCAGTAGATCATGGCGGGTTTGTTGAGCTCAGTTGAATAGAAT[G>A]GTACCCAAGTGTTGATATCCACATCACAAGTAGGGCAGCATGTAATCCAGTAGCCTGTCT-3'
Protein context (NP_000527.2, residues 422-442): TCDVDINTWV[Pro432Leu]FYSTELNKPA